The following is an entry in ClinVar:

ClinVar aggregate classification (germline): Uncertain significance. Review status: criteria provided, multiple submitters, no conflicts (2 of 4 stars). 2 submissions from 2 submitters: Uncertain significance (2). Last evaluated 2024-12-23.

Conditions:
MYO7A-related disorder. Also called: MYO7A-related disorders.
Inborn genetic diseases. Identifiers: MedGen C0950123, MeSH D030342.

gnomAD v4.1: 3 of 1,495,590 alleles (0.0002%); highest among the groups gnomAD compares: South Asian, 0.0013%; no homozygotes.

Submissions (2):

PreventionGenetics, part of Exact Sciences
Classification: Uncertain significance for MYO7A-related condition. Last evaluated: 2024-12-23. Review status: criteria provided, single submitter. Criteria: ACMG Guidelines, 2015. Collection method: clinical testing. Allele origin: germline.
Comment: The MYO7A c.4576C>T variant is predicted to result in the amino acid substitution p.Arg1526Cys. To our knowledge, this variant has not been reported in the literature or in a large population database (gnomAD), indicating this variant is rare. At this time, the clinical significance of this variant is uncertain due to the absence of conclusive functional and genetic evidence.

Ambry Genetics
Classification: Uncertain significance for Inborn genetic diseases. Last evaluated: 2024-07-14. Review status: criteria provided, single submitter. Criteria: Ambry Variant Classification Scheme 2023. Collection method: clinical testing. Allele origin: germline.

NM_000260.4(MYO7A):c.4576C>T (p.Arg1526Cys)

Gene: MYO7A (myosin VIIA; plus strand). Cytogenetic location: 11q13.5.
Variant type: single nucleotide variant.
Coding change: c.4576C>T on transcript NM_000260.4 (MANE Select); coding-DNA position 4576, C replaced by T.
Protein change: p.Arg1526Cys; replaces arginine 1526 with cysteine.
Molecular consequence: missense variant. On other transcripts: intron variant (2).
Genome position (GRCh38, 1-based): chr11:77,199,542, C>T. VCF-style: chr11-77199542-C-T. GRCh37 (hg19) VCF-style: chr11-76910587-C-T.
Other names: c.4536-107C>T (NM_001369365.1); c.4569-107C>T (NM_001127180.2); short protein forms R1526C.
Identifiers: ClinVar variation 3401636 (VCV003401636.2).